The following is an entry in ClinVar:

ClinVar aggregate classification (germline): Likely benign (1 of 4 stars; one submission).

Submission:

CeGaT Center for Human Genetics Tuebingen
Classification: Likely benign. Last evaluated: 2026-04-01. Review status: criteria provided, single submitter. Criteria: CeGaT Center For Human Genetics Tuebingen Variant Classification Criteria Version 2. Collection method: clinical testing. Allele origin: germline. Affected: yes. Observed: 2 variant alleles.
Comment: KMT5B: PM2:Supporting, BP4, BP7

NM_017635.5(KMT5B):c.1587G>C (p.Gly529=)

Gene: KMT5B (lysine methyltransferase 5B; minus strand). Cytogenetic location: 11q13.2.
Variant type: single nucleotide variant.
Coding change: c.1587G>C on transcript NM_017635.5 (MANE Select); coding-DNA position 1587, G replaced by C.
Protein change: p.Gly529=; no amino-acid change (glycine 529 retained).
Molecular consequence: synonymous variant.
Genome position (GRCh38, 1-based): chr11:68,158,759, C>G on the plus strand (G>C on the coding strand, the complement: KMT5B is on the minus strand). VCF-style: chr11-68158759-C-G. GRCh37 (hg19) VCF-style: chr11-67926226-C-G.
Other names: c.1071G>C, p.Gly357= (NM_001300907.1, NM_001369428.1, NM_001369429.1 and 4 more transcripts); c.867G>C, p.Gly289= (NM_001300908.2); c.1587G>C, p.Gly529= (NM_001369426.1).
Identifiers: ClinVar variation 3234387 (VCV003234387.20), dbSNP rs560196983, ClinGen allele CA475515087.